The following is an entry in ClinVar:

ClinVar aggregate classification (germline): Likely benign. Review status: criteria provided, single submitter (1 of 4 stars). 2 submissions from 2 submitters: Likely benign (1). 1 of the submissions does not count toward it. Last evaluated 2023-09-01.

Conditions:
IFT43-related disorder. Also called: IFT43-related condition.

Allele frequency attached by ClinVar (database versions not stated): TOPMed 0.00013; gnomAD 0.00020; ExAC 0.00036; 1000 Genomes Project 0.00100; 1000 Genomes Project 30x 0.00109.
gnomAD v4.1: 331 of 1,613,952 alleles (0.021%); highest among the groups gnomAD compares: South Asian, 0.18%; 4 homozygotes.

Submissions (2):

CeGaT Center for Human Genetics Tuebingen
Classification: Likely benign. Last evaluated: 2023-09-01. Review status: criteria provided, single submitter. Criteria: CeGaT Center For Human Genetics Tuebingen Variant Classification Criteria Version 2. Collection method: clinical testing. Allele origin: germline. Affected: yes. Observed: 1 variant allele.
Comment: IFT43: BP4, BS1

PreventionGenetics, part of Exact Sciences
Classification: Likely benign for IFT43-related condition. Last evaluated: 2023-02-16. Review status: no assertion criteria provided. Collection method: clinical testing. Allele origin: germline. Not counted in ClinVar's aggregate classification.
Comment: This variant is classified as likely benign based on ACMG/AMP sequence variant interpretation guidelines (Richards et al. 2015 PMID: 25741868, with internal and published modifications).

NM_001102564.3(IFT43):c.253C>T (p.Arg85Cys)

Gene: IFT43 (intraflagellar transport 43; plus strand). Cytogenetic location: 14q24.3.
Variant type: single nucleotide variant.
Coding change: c.253C>T on transcript NM_001102564.3 (MANE Select); coding-DNA position 253, C replaced by T.
Protein change: p.Arg85Cys; replaces arginine 85 with cysteine.
Molecular consequence: missense variant. On other transcripts: non-coding transcript variant (1), intron variant (1).
Genome position (GRCh38, 1-based): chr14:76,059,331, C>T. VCF-style: chr14-76059331-C-T. GRCh37 (hg19) VCF-style: chr14-76525674-C-T.
Other names: c.216-17266C>T (NM_052873.3); c.253C>T (NM_001102564.1); short protein forms R85C.
Identifiers: ClinVar variation 2644376 (VCV002644376.25), dbSNP rs547721035, ClinGen allele CA7280760.